The following is an entry in ClinVar:

NM_006445.4(PRPF8):c.2737C>T (p.Pro913Ser)

Gene: PRPF8 (pre-mRNA processing factor 8; minus strand). Cytogenetic location: 17p13.3.
Variant type: single nucleotide variant.
Coding change: c.2737C>T on transcript NM_006445.4 (MANE Select); coding-DNA position 2737, C replaced by T.
Protein change: p.Pro913Ser; replaces proline 913 with serine.
Molecular consequence: missense variant.
Genome position (GRCh38, 1-based): chr17:1,675,755, G>A on the plus strand (C>T on the coding strand, the complement: PRPF8 is on the minus strand). VCF-style: chr17-1675755-G-A. GRCh37 (hg19) VCF-style: chr17-1579049-G-A.
Other names: short protein forms P913S.
Identifiers: ClinVar variation 1395497 (VCV001395497.6), dbSNP rs2151127771, ClinGen allele CA397548316.

ClinVar aggregate classification (germline): Uncertain significance (1 of 4 stars; one submission).

gnomAD v4.1: 1 of 1,614,118 alleles (0.000062%); highest among the groups gnomAD compares: Non-Finnish European, 0.000085%; no homozygotes.

Submission:

Labcorp Genetics (formerly Invitae), Labcorp
Classification: Uncertain significance. Last evaluated: 2022-03-09. Review status: criteria provided, single submitter. Criteria: Invitae Variant Classification Sherloc (09022015). Collection method: clinical testing. Allele origin: germline.
Comment: This variant is not present in population databases (gnomAD no frequency). This sequence change replaces proline, which is neutral and non-polar, with serine, which is neutral and polar, at codon 913 of the PRPF8 protein (p.Pro913Ser). In summary, the available evidence is currently insufficient to determine the role of this variant in disease. Therefore, it has been classified as a Variant of Uncertain Significance. Algorithms developed to predict the effect of missense changes on protein structure and function are either unavailable or do not agree on the potential impact of this missense change (SIFT: "Deleterious"; PolyPhen-2: "Probably Damaging"; Align-GVGD: "Class C0"). This variant has not been reported in the literature in individuals affected with PRPF8-related conditions.